The following is an entry in ClinVar:

ClinVar aggregate classification (germline): Pathogenic (1 of 4 stars; one submission).

Submission:

Labcorp Genetics (formerly Invitae), Labcorp
Classification: Pathogenic. Last evaluated: 2022-09-19. Review status: criteria provided, single submitter. Criteria: Invitae Variant Classification Sherloc (09022015). Collection method: clinical testing. Allele origin: germline.
Comment: For these reasons, this variant has been classified as Pathogenic. This variant has not been reported in the literature in individuals affected with RINT1-related conditions. This variant is a gross deletion of the genomic region encompassing exon(s) 4-10 of the RINT1 gene. This deletion is out-of-frame, and is expected to create a premature termination codon and result in an absent or disrupted protein product. Loss-of-function variants in RINT1 are known to be pathogenic (PMID: 31204009).

Literature cited by the submitters: PubMed 31204009.

NC_000007.14:g.(?_105542398)_(105551717_?)del

Gene: RINT1 (RAD50 interactor 1; plus strand). Cytogenetic location: 7q22.3.
Variant type: Deletion.
Identifiers: ClinVar variation 646401 (VCV000646401.6).